The following is an entry in ClinVar:

NM_001379110.1(SLC9A6):c.1546_1550+10del

Gene: SLC9A6 (solute carrier family 9 member A6; plus strand). Cytogenetic location: Xq26.3.
Variant type: Deletion.
Coding change: c.1546_1550+10del on transcript NM_001379110.1 (MANE Select); coding-DNA position 1546 through 10 bases into the intron after coding-DNA position 1550, 15 bases deleted (GACAGGTAAATAACT).
Molecular consequence: splice donor variant. On other transcripts: intron variant (9).
Genome position (GRCh38, 1-based): chrX:136,028,971-136,028,985, GACAGGTAAATAACT deleted; deleting any 15 consecutive bases within chrX:136,028,968-136,028,985 gives the same sequence; the c. name uses the placement nearest the transcript's 3' end. VCF-style (leftmost placement, unchanged base first): chrX-136028967-GACTGACAGGTAAATA-G. GRCh37 (hg19) VCF-style: chrX-135111126-GACTGACAGGTAAATA-G.
Other names: c.1461-1161_1461-1147del (NM_001400909.1, NM_001400910.1, NM_001400911.1 and 2 more transcripts); c.1702_1706+10del (NM_001438742.1); c.1617-1161_1617-1147del (NM_001042537.2); c.1521-1161_1521-1147del (NM_006359.3); c.1365-1161_1365-1147del (NM_001400913.1, NM_001330652.2).
Identifiers: ClinVar variation 4814241 (VCV004814241.1).

ClinVar aggregate classification (germline): Likely benign (1 of 4 stars; one submission).

Conditions:
Christianson syndrome (MRXSCH). Also called: SLC9A6-Related Syndromic Mental Retardation; X-linked mental retardation, syndromic, Christianson type; INTELLECTUAL DEVELOPMENTAL DISORDER, X-LINKED, SYNDROMIC, CHRISTIANSON TYPE. Identifiers: Orphanet 85278, MedGen C2678194, MONDO:0010278, OMIM 300243.

Submission:

Centre for Medical Genetics,  Mumbai
Classification: Likely benign for Christianson syndrome. Last evaluated: 2026-03-03. Review status: criteria provided, single submitter. Criteria: ACMG Guidelines, 2015. Collection method: provider interpretation. Allele origin: germline. Inheritance: X-linked inheritance. Affected: no. Observed: 1 variant allele, 1 homozygote.
Comment: The variant satisfies PM2 criteria; Extremely low frequency in gnomAD population databases. The variant satisfies PVS1 criteria; Null variant in a gene where loss of function is a known mechanism of disease. However, the variant satisfies BS2 criteria.

Literature cited by the submitters: PubMed 10528855.